The following is an entry in ClinVar:

NM_001267550.2(TTN):c.90915C>T (p.Tyr30305=)

Genes: TTN-AS1 (TTN antisense RNA 1; plus strand), TTN (titin; minus strand). Cytogenetic location: 2q31.2.
Variant type: single nucleotide variant.
Coding change: c.90915C>T on transcript NM_001267550.2 (MANE Select); coding-DNA position 90915, C replaced by T.
Protein change: p.Tyr30305=; no amino-acid change (tyrosine 30305 retained).
Molecular consequence: synonymous variant.
Genome position (GRCh38, 1-based): chr2:178,551,985, G>A on the plus strand (C>T on the coding strand, the complement: TTN is on the minus strand). VCF-style: chr2-178551985-G-A. GRCh37 (hg19) VCF-style: chr2-179416712-G-A.
Other names: c.85992C>T, p.Tyr28664= (NM_001256850.1); c.63720C>T, p.Tyr21240= (NM_003319.4); c.83211C>T, p.Tyr27737= (NM_133378.4); c.64095C>T, p.Tyr21365= (NM_133432.3); c.64296C>T, p.Tyr21432= (NM_133437.4).
Identifiers: ClinVar variation 1122910 (VCV001122910.11), dbSNP rs748302876, ClinGen allele CA1987723.

ClinVar aggregate classification (germline): Likely benign. Review status: criteria provided, multiple submitters, no conflicts (2 of 4 stars). 3 submissions from 3 submitters: Likely benign (2). 1 of the submissions does not count toward it. Last evaluated 2025-04-20.

Conditions:
Autosomal recessive limb-girdle muscular dystrophy type 2J (LGMDR10). Also called: Limb-girdle muscular dystrophy, type 2J; MUSCULAR DYSTROPHY, LIMB-GIRDLE, AUTOSOMAL RECESSIVE 10. Identifiers: Orphanet 140922, MedGen C1837342, MONDO:0012127, OMIM 608807.
Dilated cardiomyopathy 1G (CMD1G). Identifiers: Orphanet 154, MedGen C1858763, MONDO:0011400, OMIM 604145.
Cardiovascular phenotype. Identifiers: MedGen CN230736.
TTN-related disorder. Also called: TTN-related disorders; TTN-related condition; TTN-related disease.

Allele frequency attached by ClinVar (database versions not stated): TOPMed 0.00001; gnomAD 0.00002; gnomAD exomes 0.00002; ExAC 0.00003.
gnomAD v4.1: 30 of 1,611,622 alleles (0.0019%); highest among the groups gnomAD compares: East Asian, 0.0022%; no homozygotes.

Submissions (3):

Labcorp Genetics (formerly Invitae), Labcorp
Classification: Likely benign for Dilated cardiomyopathy 1G; Autosomal recessive limb-girdle muscular dystrophy type 2J. Last evaluated: 2025-04-20. Review status: criteria provided, single submitter. Criteria: Invitae Variant Classification Sherloc (09022015). Collection method: clinical testing. Allele origin: germline.

Ambry Genetics
Classification: Likely benign for Cardiovascular phenotype. Last evaluated: 2023-03-13. Review status: criteria provided, single submitter. Criteria: Ambry Variant Classification Scheme 2023. Collection method: clinical testing. Allele origin: germline.

PreventionGenetics, part of Exact Sciences
Classification: Likely benign for TTN-related condition. Last evaluated: 2019-03-12. Review status: no assertion criteria provided. Collection method: clinical testing. Allele origin: germline. Not counted in ClinVar's aggregate classification.
Comment: This variant is classified as likely benign based on ACMG/AMP sequence variant interpretation guidelines (Richards et al. 2015 PMID: 25741868, with internal and published modifications).